The following is an entry in ClinVar:

ClinVar aggregate classification (germline): Likely pathogenic (1 of 4 stars; one submission).

Submission:

Mayo Clinic Laboratories, Mayo Clinic
Classification: Likely pathogenic. Last evaluated: 2023-10-31. Review status: criteria provided, single submitter. Criteria: ACMG Guidelines, 2015. Collection method: clinical testing. Allele origin: germline. Observed: 1 variant allele.
Comment: PM2_moderate, PVS1

NM_001355436.2(SPTB):c.2728del (p.Ala910fs)

Gene: SPTB (spectrin beta, erythrocytic; minus strand). Cytogenetic location: 14q23.3.
Variant type: Deletion.
Coding change: c.2728del on transcript NM_001355436.2 (MANE Select); coding-DNA position 2728, one base deleted (G; older notation c.2728delG).
Protein change: p.Ala910fs; shifts the reading frame from alanine 910.
Molecular consequence: frameshift variant.
Genome position (GRCh38, 1-based): chr14:64,791,795, C deleted on the plus strand (G on the coding strand, the reverse complement: SPTB is on the minus strand). VCF-style (leftmost placement, unchanged base first): chr14-64791794-GC-G. GRCh37 (hg19) VCF-style: chr14-65258512-GC-G.
Other names: p.Ala910Leufs*6; c.2728del, p.Ala910fs (NM_001024858.4, NM_001355437.2); short protein forms A910fs.
Identifiers: ClinVar variation 3381115 (VCV003381115.1).